The following is an entry in ClinVar:

NM_001851.6(COL9A1):c.2121T>A (p.Asn707Lys)

Gene: COL9A1 (collagen type IX alpha 1 chain; minus strand). Cytogenetic location: 6q13.
Variant type: single nucleotide variant.
Coding change: c.2121T>A on transcript NM_001851.6 (MANE Select); coding-DNA position 2121, T replaced by A.
Protein change: p.Asn707Lys; replaces asparagine 707 with lysine.
Molecular consequence: missense variant. On other transcripts: non-coding transcript variant (1), intron variant (1).
Genome position (GRCh38, 1-based): chr6:70,234,932, A>T on the plus strand (T>A on the coding strand, the complement: COL9A1 is on the minus strand). VCF-style: chr6-70234932-A-T. GRCh37 (hg19) VCF-style: chr6-70944635-A-T.
Other names: c.1422T>A, p.Asn474Lys (NM_001377289.1); c.1392T>A, p.Asn464Lys (NM_078485.4); c.1384-339T>A (NM_001377290.1); short protein forms N474K, N707K, N464K.
Identifiers: ClinVar variation 955213 (VCV000955213.5), dbSNP rs1197989118, ClinGen allele CA364673624.

ClinVar aggregate classification (germline): Uncertain significance (1 of 4 stars; one submission).

Allele frequency attached by ClinVar (database versions not stated): gnomAD exomes below 0.00001.
gnomAD v4.1: 2 of 1,614,136 alleles (0.00012%); highest among the groups gnomAD compares: Non-Finnish European, 0.000085%; no homozygotes.

Submission:

Labcorp Genetics (formerly Invitae), Labcorp
Classification: Uncertain significance. Last evaluated: 2022-10-21. Review status: criteria provided, single submitter. Criteria: Invitae Variant Classification Sherloc (09022015). Collection method: clinical testing. Allele origin: germline.
Comment: This sequence change replaces asparagine, which is neutral and polar, with lysine, which is basic and polar, at codon 707 of the COL9A1 protein (p.Asn707Lys). This variant is present in population databases (no rsID available, gnomAD 0.0009%). This variant has not been reported in the literature in individuals affected with COL9A1-related conditions. ClinVar contains an entry for this variant (Variation ID: 955213). Advanced modeling of protein sequence and biophysical properties (such as structural, functional, and spatial information, amino acid conservation, physicochemical variation, residue mobility, and thermodynamic stability) performed at Invitae indicates that this missense variant is not expected to disrupt COL9A1 protein function. In summary, the available evidence is currently insufficient to determine the role of this variant in disease. Therefore, it has been classified as a Variant of Uncertain Significance.